The following is an entry in ClinVar:

ClinVar aggregate classification (germline): Uncertain significance (1 of 4 stars; one submission).

Submission:

Ambry Genetics
Classification: Uncertain significance. Last evaluated: 2026-07-22. Review status: criteria provided, single submitter. Criteria: Ambry Variant Classification Scheme 2023. Collection method: clinical testing. Allele origin: germline.
Comment: The p.T244A variant (also known as c.730A>G), located in coding exon 6 of the GEN1 gene, results from an A to G substitution at nucleotide position 730. The threonine at codon 244 is replaced by alanine, an amino acid with similar properties. This amino acid position is conserved. In addition, this alteration is predicted to be tolerated by in silico analysis. Based on the available evidence, the clinical significance of this variant remains unclear.

NM_001130009.3(GEN1):c.730A>G (p.Thr244Ala)

Gene: GEN1 (GEN1 structure-specific endonuclease; plus strand). Cytogenetic location: 2p24.2.
Variant type: single nucleotide variant.
Coding change: c.730A>G on transcript NM_001130009.3 (MANE Select); coding-DNA position 730, A replaced by G.
Protein change: p.Thr244Ala; replaces threonine 244 with alanine.
Molecular consequence: missense variant.
Genome position (GRCh38, 1-based): chr2:17,771,215, A>G. VCF-style: chr2-17771215-A-G. GRCh37 (hg19) VCF-style: chr2-17952482-A-G.
Other names: c.730A>G, p.Thr244Ala (NM_182625.5); short protein forms T244A.
Identifiers: ClinVar variation 5022311 (VCV005022311.1).